The following is an entry in ClinVar:

ClinVar aggregate classification (germline): Uncertain significance (1 of 4 stars; one submission).

Submission:

Labcorp Genetics (formerly Invitae), Labcorp
Classification: Uncertain significance. Last evaluated: 2022-06-10. Review status: criteria provided, single submitter. Criteria: Invitae Variant Classification Sherloc (09022015). Collection method: clinical testing. Allele origin: germline.
Comment: In summary, the available evidence is currently insufficient to determine the role of this variant in disease. Therefore, it has been classified as a Variant of Uncertain Significance. Variants that disrupt the consensus splice site are a relatively common cause of aberrant splicing (PMID: 17576681, 9536098). Algorithms developed to predict the effect of sequence changes on RNA splicing suggest that this variant may disrupt the consensus splice site. This variant has not been reported in the literature in individuals affected with LYN-related conditions. This variant is not present in population databases (gnomAD no frequency). This sequence change falls in intron 12 of the LYN gene. It does not directly change the encoded amino acid sequence of the LYN protein. It affects a nucleotide within the consensus splice site.

Literature cited by the submitters: PubMed 17576681; PubMed 9536098.

NM_002350.4(LYN):c.1336+2T>A

Gene: LYN (LYN proto-oncogene, Src family tyrosine kinase; plus strand). Cytogenetic location: 8q12.1.
Variant type: single nucleotide variant.
Coding change: c.1336+2T>A on transcript NM_002350.4 (MANE Select); the canonical splice donor site of the intron after coding-DNA position 1336, T replaced by A.
Molecular consequence: splice donor variant.
Genome position (GRCh38, 1-based): chr8:55,999,551, T>A. VCF-style: chr8-55999551-T-A. GRCh37 (hg19) VCF-style: chr8-56912110-T-A.
Other names: c.1273+2T>A (NM_001111097.3).
Identifiers: ClinVar variation 1967269 (VCV001967269.5), dbSNP rs2487632834, ClinGen allele CA371288866.